The following is an entry in ClinVar:

ClinVar aggregate classification (germline): Uncertain significance. Review status: criteria provided, multiple submitters, no conflicts (2 of 4 stars). 2 submissions from 2 submitters: Uncertain significance (2). Last evaluated 2025-03-30.

Conditions:
RASopathy. Also called: rasopathies; Noonan spectrum disorder. Identifiers: Orphanet 536391, MedGen C5555857, MONDO:0021060.

Allele frequency attached by ClinVar (database versions not stated): gnomAD exomes below 0.00001.

Submissions (2):

Labcorp Genetics (formerly Invitae), Labcorp
Classification: Uncertain significance for RASopathy. Last evaluated: 2025-03-30. Review status: criteria provided, single submitter. Criteria: Invitae Variant Classification Sherloc (09022015). Collection method: clinical testing. Allele origin: germline.
Comment: This sequence change creates a premature translational stop signal (p.Ala404Profs*7) in the BRAF gene. It is expected to result in an absent or disrupted protein product. However, the current clinical and genetic evidence is not sufficient to establish whether loss-of-function variants in BRAF cause disease. This variant is present in population databases (no rsID available, gnomAD no frequency). This variant has not been reported in the literature in individuals affected with BRAF-related conditions. ClinVar contains an entry for this variant (Variation ID: 2497914). In summary, the available evidence is currently insufficient to determine the role of this variant in disease. Therefore, it has been classified as a Variant of Uncertain Significance.

GeneDx
Classification: Uncertain significance. Last evaluated: 2022-10-09. Review status: criteria provided, single submitter. Criteria: GeneDx Variant Classification Process June 2021. Collection method: clinical testing. Allele origin: germline. Affected: yes.
Comment: Frameshift variant predicted to result in protein truncation or nonsense mediated decay in a gene or region of a gene for which loss of function is not a well-established mechanism of disease; Has not been previously published as pathogenic or benign to our knowledge

NM_004333.6(BRAF):c.1209del (p.Ala404fs)

Gene: BRAF (B-Raf proto-oncogene, serine/threonine kinase; minus strand). Cytogenetic location: 7q34.
Variant type: Deletion.
Coding change: c.1209del on transcript NM_004333.6 (MANE Select); coding-DNA position 1209, one base deleted (T; older notation c.1209delT).
Protein change: p.Ala404fs; shifts the reading frame from alanine 404.
Molecular consequence: frameshift variant. On other transcripts: intron variant (2).
Genome position (GRCh38, 1-based): chr7:140,783,126, A deleted on the plus strand (T on the coding strand, the reverse complement: BRAF is on the minus strand). VCF-style (leftmost placement, unchanged base first): chr7-140783125-CA-C. GRCh37 (hg19) VCF-style: chr7-140482925-CA-C.
Other names: c.1209del, p.Ala404fs (NM_001354609.2, NM_001378468.1, NM_001378474.1); c.1329del, p.Ala444fs (NM_001374244.1, NM_001374258.1); c.1218del, p.Ala407fs (NM_001378467.1); c.1107del, p.Ala370fs (NM_001378470.1); c.1053del, p.Ala352fs (NM_001378472.1, NM_001378473.1); c.945del, p.Ala316fs (NM_001378475.1); c.1209delT, p.Ala404Profs (NM_004333.4); c.1141-43del (NM_001378471.1); and 1 more; short protein forms A316fs, A352fs, A370fs, A404fs, A407fs, A444fs.
Identifiers: ClinVar variation 2497914 (VCV002497914.2), dbSNP rs1438038489, ClinGen allele CA578390229.
Genomic context (GRCh38, chr7:140,783,125, plus strand): 5'-GCTGAGGTCCTGGAGATTTCTGTAAGGCTTTCACGTTAGTTAGTGAGCCAGGTAATGAGG[CA>C]GGGGGGGTAGCAGACAAACCTGTGGTTGATCCTAAATTAGTGAAAAGAAAAATGTATACA-3'